The following is an entry in ClinVar:

ClinVar aggregate classification (germline): Pathogenic/Likely pathogenic. Review status: criteria provided, multiple submitters, no conflicts (2 of 4 stars). 6 submissions from 6 submitters: Pathogenic (2); Likely pathogenic (3). 1 of the submissions does not count toward it. Last evaluated 2026-01-26.

Conditions:
Testosterone 17-beta-dehydrogenase deficiency. Also called: 17 alpha ketosteroid reductase deficiency of testis; 17 alpha KSR deficiency; Neutral 17 beta hydroxysteroid oxidoreductase deficiency; Male pseudoherma-phroditism with gynecomastia; 17-beta hydroxysteroid dehydrogenase 3 deficiency; 46,XY disorder of sex development due to 17-beta-hydroxysteroid dehydrogenase 3 deficiency. Identifiers: Orphanet 752, MedGen C0268296, MONDO:0009916, OMIM 264300. Disease mechanism: loss of function.

Allele frequency attached by ClinVar (database versions not stated): gnomAD 0.00003 and 0.00004; ExAC 0.00003; TOPMed 0.00005; gnomAD exomes 0.00012 and 0.00004.
gnomAD v4.1: 176 of 1,613,942 alleles (0.011%); highest among the groups gnomAD compares: Non-Finnish European, 0.014%; no homozygotes.

Submissions (6):

Medical and Scientific Branch, Hong Kong Genome Institute
Classification: Likely pathogenic for Testosterone 17-beta-dehydrogenase deficiency. Last evaluated: 2026-01-26. Review status: criteria provided, single submitter. Criteria: ACMG Guidelines, 2015. Collection method: clinical testing. Allele origin: paternal. Affected: yes.

Labcorp Genetics (formerly Invitae), Labcorp
Classification: Pathogenic. Last evaluated: 2025-07-30. Review status: criteria provided, single submitter. Criteria: Invitae Variant Classification Sherloc (09022015). Collection method: clinical testing. Allele origin: germline.
Comment: This sequence change replaces asparagine, which is neutral and polar, with serine, which is neutral and polar, at codon 130 of the HSD17B3 protein (p.Asn130Ser). This variant is present in population databases (rs119481079, gnomAD 0.007%). This missense change has been observed in individual(s) with 17β-HSD3 deficiency (PMID: 25740850, 27307783, 36154887). In at least one individual the data is consistent with being in trans (on the opposite chromosome) from a pathogenic variant. ClinVar contains an entry for this variant (Variation ID: 4880). Invitae Evidence Modeling of protein sequence and biophysical properties (such as structural, functional, and spatial information, amino acid conservation, physicochemical variation, residue mobility, and thermodynamic stability) indicates that this missense variant is expected to disrupt HSD17B3 protein function with a positive predictive value of 80%. Experimental studies have shown that this missense change affects HSD17B3 function (PMID: 9709959). Algorithms developed to predict the effect of sequence changes on RNA splicing suggest that this variant may create or strengthen a splice site. For these reasons, this variant has been classified as Pathogenic.

Women's Health and Genetics/Laboratory Corporation of America, LabCorp
Classification: Pathogenic for Testosterone 17-beta-dehydrogenase deficiency. Last evaluated: 2024-09-30. Review status: criteria provided, single submitter. Criteria: LabCorp Variant Classification Summary - May 2015. Collection method: clinical testing. Allele origin: germline.
Comment: Variant summary: HSD17B3 c.389A>G (p.Asn130Ser) results in a conservative amino acid change in the encoded protein sequence. Four of five in-silico tools predict a damaging effect of the variant on protein function. The variant allele was found at a frequency of 3.6e-05 in 251442 control chromosomes. c.389A>G has been reported in the literature in the compound heterozygous and homozygous states in individuals affected with Testosterone 17-beta-dehydrogenase deficiency (e.g. Moghrabi_1998, Phelan_2015, Grimbly_2016, Zhu_2023). These data indicate that the variant is likely to be associated with disease. At least one publication reports experimental evidence evaluating an impact on protein function. The most pronounced variant effect results in absent enzyme activity (Moghrabi_1998). The following publications have been ascertained in the context of this evaluation (PMID: 27307783, 9709959, 25740850, 36154887). ClinVar contains an entry for this variant (Variation ID: 4880). Based on the evidence outlined above, the variant was classified as pathogenic.

Clinical Biochemistry Laboratory, Health Services Laboratory
Classification: Likely pathogenic for Testosterone 17-beta-dehydrogenase deficiency. Last evaluated: 2023-11-20. Review status: criteria provided, single submitter. Criteria: ACMG Guidelines, 2015. Collection method: clinical testing. Allele origin: germline. Affected: yes.
Comment: ACMG:PM1 PM2 PP2 PP3

Genetic Services Laboratory, University of Chicago
Classification: Likely pathogenic. Last evaluated: 2020-09-28. Review status: criteria provided, single submitter. Criteria: ACMG Guidelines, 2015. Collection method: clinical testing. Allele origin: germline. Affected: yes.

OMIM
Classification: Pathogenic for 17-BETA HYDROXYSTEROID DEHYDROGENASE III DEFICIENCY. Last evaluated: 1998-08-01. Review status: no assertion criteria provided. Collection method: literature only. Allele origin: germline. Not counted in ClinVar's aggregate classification.

Literature cited by the submitters: PubMed 25740850 (cited by 3 submitters); PubMed 27307783 (cited by Labcorp Genetics (formerly Invitae), Labcorp and Women's Health and Genetics/Laboratory Corporation of America, LabCorp); PubMed 36154887 (cited by Labcorp Genetics (formerly Invitae), Labcorp and Women's Health and Genetics/Laboratory Corporation of America, LabCorp); PubMed 9709959 (cited by 3 submitters).

NM_000197.2(HSD17B3):c.389A>G (p.Asn130Ser)

Genes: HSD17B3 (hydroxysteroid 17-beta dehydrogenase 3; minus strand), SLC35D2-HSD17B3 (SLC35D2-HSD17B3 readthrough; minus strand). Cytogenetic location: 9q22.32.
Variant type: single nucleotide variant.
Coding change: c.389A>G on transcript NM_000197.2 (MANE Select); coding-DNA position 389, A replaced by G.
Protein change: p.Asn130Ser; replaces asparagine 130 with serine.
Molecular consequence: missense variant.
Genome position (GRCh38, 1-based): chr9:96,251,482, T>C on the plus strand (A>G on the coding strand, the complement: HSD17B3 is on the minus strand). VCF-style: chr9-96251482-T-C. GRCh37 (hg19) VCF-style: chr9-99013764-T-C.
Other names: short protein forms N130S.
Identifiers: ClinVar variation 4880 (VCV000004880.12), dbSNP rs119481079, ClinGen allele CA117116.